The following is an entry in ClinVar:

ClinVar aggregate classification (germline): Uncertain significance (1 of 4 stars; one submission).

Conditions:
Beckwith-Wiedemann syndrome (BWS). Also called: EMG SYNDROME; Exomphalos macroglossia gigantism syndrome. Identifiers: Orphanet 116, MedGen C0004903, MONDO:0007534, OMIM 130650.

Submission:

Labcorp Genetics (formerly Invitae), Labcorp
Classification: Uncertain significance for Beckwith-Wiedemann syndrome. Last evaluated: 2023-07-31. Review status: criteria provided, single submitter. Criteria: Invitae Variant Classification Sherloc (09022015). Collection method: clinical testing. Allele origin: germline.
Comment: ClinVar contains an entry for this variant (Variation ID: 954527). In summary, the available evidence is currently insufficient to determine the role of this variant in disease. Therefore, it has been classified as a Variant of Uncertain Significance. Advanced modeling of protein sequence and biophysical properties (such as structural, functional, and spatial information, amino acid conservation, physicochemical variation, residue mobility, and thermodynamic stability) performed at Invitae indicates that this missense variant is not expected to disrupt CDKN1C protein function. This variant has not been reported in the literature in individuals affected with CDKN1C-related conditions. The frequency data for this variant in the population databases is considered unreliable, as metrics indicate insufficient coverage at this position in the gnomAD database. This sequence change replaces valine, which is neutral and non-polar, with alanine, which is neutral and non-polar, at codon 173 of the CDKN1C protein (p.Val173Ala).

NM_001122630.2(CDKN1C):c.485T>C (p.Val162Ala)

Gene: CDKN1C (cyclin dependent kinase inhibitor 1C; minus strand). Cytogenetic location: 11p15.4.
Variant type: single nucleotide variant.
Coding change: c.485T>C on transcript NM_001122630.2 (MANE Select); coding-DNA position 485, T replaced by C.
Protein change: p.Val162Ala; replaces valine 162 with alanine.
Molecular consequence: missense variant. On other transcripts: intron variant (1).
Genome position (GRCh38, 1-based): chr11:2,884,972, A>G on the plus strand (T>C on the coding strand, the complement: CDKN1C is on the minus strand). VCF-style: chr11-2884972-A-G. GRCh37 (hg19) VCF-style: chr11-2906202-A-G.
Other names: c.518T>C, p.Val173Ala (NM_000076.2, NM_001362474.2); c.485T>C, p.Val162Ala (NM_001122631.2); c.255+230T>C (NM_001362475.2); short protein forms V162A, V173A.
Identifiers: ClinVar variation 954527 (VCV000954527.8), dbSNP rs1848947013, ClinGen allele CA379146542.
Genomic context (GRCh38, chr11:2,884,972, plus strand): 5'-GCCGGGGCCGGAGCCGGAGCCGGAGCCGGGGCCGGGGCCGGGGCCAGGACCGCGACCGCG[A>G]CCGGAGCCGCGACCGGAGCCGCGACCGGAGCCGGAGCCGGGGCCGGGGCTGGAGCCAGGA-3'
Protein context (NP_001116102.1, residues 152-172): APVAAPVAAP[Val162Ala]AVAVLAPAPA